The following is an entry in ClinVar:

NM_015602.4(TOR1AIP1):c.443G>C (p.Arg148Thr)

Genes: TOR1AIP1 (torsin 1A interacting protein 1; plus strand), LOC112577517 (Sharpr-MPRA regulatory region 13766; plus strand). Cytogenetic location: 1q25.2.
Variant type: single nucleotide variant.
Coding change: c.443G>C on transcript NM_015602.4 (MANE Select); coding-DNA position 443, G replaced by C.
Protein change: p.Arg148Thr; replaces arginine 148 with threonine.
Molecular consequence: missense variant.
Genome position (GRCh38, 1-based): chr1:179,882,945, G>C. VCF-style: chr1-179882945-G-C. GRCh37 (hg19) VCF-style: chr1-179852080-G-C.
Other names: c.443G>C, p.Arg148Thr (NM_001267578.2); c.443G>C (NM_015602.2); short protein forms R148T.
Identifiers: ClinVar variation 1025504 (VCV001025504.9), dbSNP rs1376862055, ClinGen allele CA343578367.

ClinVar aggregate classification (germline): Uncertain significance. Review status: criteria provided, multiple submitters, no conflicts (2 of 4 stars). 3 submissions from 3 submitters: Uncertain significance (3). Last evaluated 2025-08-14.

Conditions:
Inborn genetic diseases. Identifiers: MedGen C0950123, MeSH D030342.
Autosomal recessive limb-girdle muscular dystrophy type 2Y (MRRSDC). Also called: Muscular dystrophy, autosomal recessive, with rigid spine and distal joint contractures; Muscular dystrophy, limb-girdle, type 2y. Identifiers: Orphanet 424261, MedGen C4511482, MONDO:0014900, OMIM 617072.

Allele frequency attached by ClinVar (database versions not stated): TOPMed below 0.00001; gnomAD 0.00001; gnomAD exomes 0.00001.
gnomAD v4.1: 7 of 1,613,540 alleles (0.00043%); highest among the groups gnomAD compares: African/African-American, 0.0013%; no homozygotes.

Submissions (3):

Ambry Genetics
Classification: Uncertain significance for Inborn genetic diseases. Last evaluated: 2025-08-14. Review status: criteria provided, single submitter. Criteria: Ambry Variant Classification Scheme 2023. Collection method: clinical testing. Allele origin: germline.

Genome-Nilou Lab
Classification: Uncertain significance for Autosomal recessive limb-girdle muscular dystrophy type 2Y. Last evaluated: 2023-04-11. Review status: criteria provided, single submitter. Criteria: ACMG Guidelines, 2015. Collection method: clinical testing. Allele origin: germline. Affected: no.

Labcorp Genetics (formerly Invitae), Labcorp
Classification: Uncertain significance for Autosomal recessive limb-girdle muscular dystrophy type 2Y. Last evaluated: 2018-06-29. Review status: criteria provided, single submitter. Criteria: Invitae Variant Classification Sherloc (09022015). Collection method: clinical testing. Allele origin: germline.
Comment: In summary, the available evidence is currently insufficient to determine the role of this variant in disease. Therefore, it has been classified as a Variant of Uncertain Significance. Algorithms developed to predict the effect of missense changes on protein structure and function are either unavailable or do not agree on the potential impact of this missense change (SIFT: "Deleterious"; PolyPhen-2: "Probably Damaging"; Align-GVGD: "Class C0"). This variant has not been reported in the literature in individuals with TOR1AIP1-related disease. This variant is not present in population databases (ExAC no frequency). This sequence change replaces arginine with threonine at codon 148 of the TOR1AIP1 protein (p.Arg148Thr). The arginine residue is weakly conserved and there is a moderate physicochemical difference between arginine and threonine.